The following is an entry in ClinVar:

NM_001100913.3(PACS2):c.1201T>C (p.Phe401Leu)

Gene: PACS2 (phosphofurin acidic cluster sorting protein 2; plus strand). Cytogenetic location: 14q32.33.
Variant type: single nucleotide variant.
Coding change: c.1201T>C on transcript NM_001100913.3 (MANE Select); coding-DNA position 1201, T replaced by C.
Protein change: p.Phe401Leu; replaces phenylalanine 401 with leucine.
Molecular consequence: missense variant.
Genome position (GRCh38, 1-based): chr14:105,381,032, T>C. VCF-style: chr14-105381032-T-C. GRCh37 (hg19) VCF-style: chr14-105847369-T-C.
Other names: c.1201T>C, p.Phe401Leu (NM_015197.4); c.976T>C, p.Phe326Leu (NM_001243127.3); short protein forms F326L, F401L.
Identifiers: ClinVar variation 3615235 (VCV003615235.2).

ClinVar aggregate classification (germline): Uncertain significance (1 of 4 stars; one submission).

gnomAD v4.1: 28 of 1,612,438 alleles (0.0017%); highest among the groups gnomAD compares: Non-Finnish European, 0.0021%; no homozygotes.

Submission:

Labcorp Genetics (formerly Invitae), Labcorp
Classification: Uncertain significance. Last evaluated: 2024-12-07. Review status: criteria provided, single submitter. Criteria: Invitae Variant Classification Sherloc (09022015). Collection method: clinical testing. Allele origin: germline.
Comment: This sequence change replaces phenylalanine, which is neutral and non-polar, with leucine, which is neutral and non-polar, at codon 401 of the PACS2 protein (p.Phe401Leu). This variant is present in population databases (no rsID available, gnomAD 0.002%). This variant has not been reported in the literature in individuals affected with PACS2-related conditions. Invitae Evidence Modeling of protein sequence and biophysical properties (such as structural, functional, and spatial information, amino acid conservation, physicochemical variation, residue mobility, and thermodynamic stability) indicates that this missense variant is not expected to disrupt PACS2 protein function with a negative predictive value of 80%. In summary, the available evidence is currently insufficient to determine the role of this variant in disease. Therefore, it has been classified as a Variant of Uncertain Significance.